The following is an entry in ClinVar:

ClinVar aggregate classification (germline): Uncertain significance (1 of 4 stars; one submission).

Conditions:
Developmental and epileptic encephalopathy, 1 (DEE1). Also called: OHTAHARA SYNDROME, X-LINKED; X-linked infantile spasms; West's syndrome; Tonic spasms with clustering, arrest of psychomotor development and hypsarrhythmia on EEG; X-Linked Infantile Spasm Syndrome; INFANTILE SPASM SYNDROME, X-LINKED 1. Identifiers: MedGen C3463992, MONDO:0010632, OMIM 308350. Disease mechanism: loss of function.
Autosomal recessive spinocerebellar ataxia 12. Also called: SPINOCEREBELLAR ATAXIA WITH MENTAL RETARDATION AND EPILEPSY. Identifiers: Orphanet 284282, MedGen C3280452, MONDO:0013687, OMIM 614322.

Allele frequency attached by ClinVar (database versions not stated): gnomAD exomes below 0.00001.
gnomAD v4.1: 1 of 1,614,182 alleles (0.000062%); highest among the groups gnomAD compares: Non-Finnish European, 0.000085%; no homozygotes.

Submission:

Labcorp Genetics (formerly Invitae), Labcorp
Classification: Uncertain significance for Developmental and epileptic encephalopathy, 1; Autosomal recessive spinocerebellar ataxia 12. Last evaluated: 2022-09-07. Review status: criteria provided, single submitter. Criteria: Invitae Variant Classification Sherloc (09022015). Collection method: clinical testing. Allele origin: germline.
Comment: Algorithms developed to predict the effect of missense changes on protein structure and function are either unavailable or do not agree on the potential impact of this missense change (SIFT: "Not Available"; PolyPhen-2: "Benign"; Align-GVGD: "Not Available"). In summary, the available evidence is currently insufficient to determine the role of this variant in disease. Therefore, it has been classified as a Variant of Uncertain Significance. This variant has not been reported in the literature in individuals affected with WWOX-related conditions. This variant is present in population databases (rs201417061, gnomAD 0.003%). This sequence change replaces arginine, which is basic and polar, with threonine, which is neutral and polar, at codon 295 of the WWOX protein (p.Arg295Thr).

NM_016373.4(WWOX):c.884G>C (p.Arg295Thr)

Gene: WWOX (WW domain containing oxidoreductase; plus strand). Cytogenetic location: 16q23.1.
Variant type: single nucleotide variant.
Coding change: c.884G>C on transcript NM_016373.4 (MANE Select); coding-DNA position 884, G replaced by C.
Protein change: p.Arg295Thr; replaces arginine 295 with threonine.
Molecular consequence: missense variant.
Genome position (GRCh38, 1-based): chr16:78,432,580, G>C. VCF-style: chr16-78432580-G-C. GRCh37 (hg19) VCF-style: chr16-78466477-G-C.
Other names: c.545G>C, p.Arg182Thr (NM_001291997.2); short protein forms R182T, R295T.
Identifiers: ClinVar variation 2090103 (VCV002090103.3), dbSNP rs201417061, ClinGen allele CA8183535.
Genomic context (GRCh38, chr16:78,432,580, plus strand): 5'-TGGACTTCAGTCGCCTCTCTCCAACAAAAAACGACTATTGGGCGATGCTGGCTTATAACA[G>C]GTCCAAGCTCTGCAACATCCTCTTCTCCAACGAGCTGCACCGTCGCCTCTCCCCACGCGG-3'
Protein context (NP_057457.1, residues 285-305): NDYWAMLAYN[Arg295Thr]SKLCNILFSN